The following is an entry in ClinVar:

ClinVar aggregate classification (germline): Conflicting classifications of pathogenicity. Review status: criteria provided, conflicting classifications (1 of 4 stars). 5 submissions from 5 submitters: Likely pathogenic (2); Uncertain significance (3). Last evaluated 2026-04-14.

Conditions:
Benign recurrent intrahepatic cholestasis type 1. Also called: SUMMERSKILL SYNDROME; Mild-to-Moderate ATP8B1 Deficiency (Benign Recurrent Intrahepatic Cholestasis 1 [BRIC1]). Identifiers: Orphanet 65682, Orphanet 99960, MedGen C4551899, MONDO:0009469, OMIM 243300.
Familial intrahepatic cholestasis. Identifiers: Orphanet 284385, MedGen CN296401, MONDO:0017290.
Progressive familial intrahepatic cholestasis type 1. Also called: BYLER DISEASE; Byler's disease; Severe ATP8B1 Deficiency (Progressive Familial Intrahepatic Cholestasis Type 1 [PFIC1]). Identifiers: Orphanet 79306, MedGen C4551898, MONDO:0008892, OMIM 211600.
Cholestasis, intrahepatic, of pregnancy, 1 (ICP1). Also called: CHOLESTASIS, PREGNANCY-RELATED, 1. Identifiers: Orphanet 69665, MedGen C3549845, MONDO:0007829, OMIM 147480.

Allele frequency attached by ClinVar (database versions not stated): gnomAD 0.00001; TOPMed 0.00001; ExAC 0.00002.
gnomAD v4.1: 21 of 1,613,942 alleles (0.0013%); highest among the groups gnomAD compares: East Asian, 0.011%; no homozygotes.

Submissions (5):

Genomenon, Inc
Classification: Uncertain significance for Familial intrahepatic cholestasis. Last evaluated: 2026-04-14. Review status: criteria provided, single submitter. Criteria: Genomenon Sequence Variant Interpretation Standards - Updated. Collection method: curation. Allele origin: germline. Affected: yes.
Comment: ATP8B1 p.Arg628Trp (c.1882C>T) is a missense variant that changes the amino acid at residue 628 from Arginine to Tryptophan. This variant has been observed in at least one proband with features of ATP8B1-deficiency (PMID:15239083;27050426). It is absent or not present at a significant frequency in gnomAD. In silico models predict that this variant is possibly or probably damaging. In conclusion, we classify ATP8B1 p.Arg628Trp (c.1882C>T) as a variant of uncertain significance.

Mayo Clinic Laboratories, Mayo Clinic
Classification: Uncertain significance. Last evaluated: 2024-10-24. Review status: criteria provided, single submitter. Criteria: ACMG Guidelines, 2015. Collection method: clinical testing. Allele origin: germline. Observed: 1 variant allele.
Comment: PP3, PM2_supporting, PM3

Fulgent Genetics
Classification: Likely pathogenic for Cholestasis, intrahepatic, of pregnancy, 1; Progressive familial intrahepatic cholestasis type 1; Benign recurrent intrahepatic cholestasis type 1. Last evaluated: 2024-04-18. Review status: criteria provided, single submitter. Criteria: ACMG Guidelines, 2015. Collection method: clinical testing. Allele origin: germline.

Women's Health and Genetics/Laboratory Corporation of America, LabCorp
Classification: Uncertain significance. Last evaluated: 2024-04-12. Review status: criteria provided, single submitter. Criteria: LabCorp Variant Classification Summary - May 2015. Collection method: clinical testing. Allele origin: germline.
Comment: Variant summary: ATP8B1 c.1882C>T (p.Arg628Trp) results in a non-conservative amino acid change located in the P-type ATPase, haloacid dehalogenase domain (IPR044492) of the encoded protein sequence. Five of five in-silico tools predict a damaging effect of the variant on protein function. The variant allele was found at a frequency of 1.2e-05 in 251464 control chromosomes. c.1882C>T has been reported in the literature as a comppound heterozygous genotype in at-least two individuals affected with features of Familial Intrahepatic Cholestasis such as benign recurrent intrahepatic cholestasis (BRIC) or ATP8B1 deficiency (example, Klomp_2004, Wang_2016). These data indicate that the variant may be associated with disease. To our knowledge, no experimental evidence demonstrating an impact on protein function has been reported. The following publications have been ascertained in the context of this evaluation (PMID: 35416773, 15239083, 32942997, 15975683, 31450232, 27050426). No submitters have cited clinical-significance assessments for this variant to ClinVar. Based on the evidence outlined above, the variant was classified as VUS-possibly pathogenic.

Baylor Genetics
Classification: Likely pathogenic for Benign recurrent intrahepatic cholestasis type 1. Last evaluated: 2024-02-05. Review status: criteria provided, single submitter. Criteria: ACMG Guidelines, 2015. Collection method: clinical testing. Allele origin: unknown.

Literature cited by the submitters: PubMed 15239083 (cited by 3 submitters); PubMed 27050426 (cited by 3 submitters); PubMed 15975683 (cited by Mayo Clinic Laboratories, Mayo Clinic and Women's Health and Genetics/Laboratory Corporation of America, LabCorp); PubMed 31450232 (cited by Mayo Clinic Laboratories, Mayo Clinic and Women's Health and Genetics/Laboratory Corporation of America, LabCorp); PubMed 32942997 (cited by Mayo Clinic Laboratories, Mayo Clinic and Women's Health and Genetics/Laboratory Corporation of America, LabCorp); PubMed 33057194 (cited by Mayo Clinic Laboratories, Mayo Clinic); PubMed 35416773 (cited by Mayo Clinic Laboratories, Mayo Clinic and Women's Health and Genetics/Laboratory Corporation of America, LabCorp); PubMed 35982159 (cited by Mayo Clinic Laboratories, Mayo Clinic).

NM_001374385.1(ATP8B1):c.1882C>T (p.Arg628Trp)

Gene: ATP8B1 (ATPase phospholipid transporting 8B1; minus strand). Cytogenetic location: 18q21.31.
Variant type: single nucleotide variant.
Coding change: c.1882C>T on transcript NM_001374385.1 (MANE Select); coding-DNA position 1882, C replaced by T.
Protein change: p.Arg628Trp; replaces arginine 628 with tryptophan.
Molecular consequence: missense variant.
Genome position (GRCh38, 1-based): chr18:57,671,518, G>A on the plus strand (C>T on the coding strand, the complement: ATP8B1 is on the minus strand). VCF-style: chr18-57671518-G-A. GRCh37 (hg19) VCF-style: chr18-55338750-G-A.
Other names: p.Arg628Trp; c.1732C>T, p.Arg578Trp (NM_001374386.1); c.1882C>T, p.Arg628Trp (NM_005603.6); short protein forms R578W, R628W.
Identifiers: ClinVar variation 3240825 (VCV003240825.5), dbSNP rs752045131.